The following is an entry in ClinVar:

ClinVar aggregate classification (germline): Pathogenic (1 of 4 stars; one submission).

Conditions:
Multiple endocrine neoplasia, type 1 (MEN1). Also called: Endocrine adenomatosis multiple; MEN 1; MEA I; MEN I; WERMER SYNDROME. Identifiers: Orphanet 652, MedGen C0025267, MeSH D018761, MONDO:0007540, OMIM 131100.

Submission:

Labcorp Genetics (formerly Invitae), Labcorp
Classification: Pathogenic for Multiple endocrine neoplasia, type 1. Last evaluated: 2025-09-21. Review status: criteria provided, single submitter. Criteria: Invitae Variant Classification Sherloc (09022015). Collection method: clinical testing. Allele origin: germline.
Comment: This sequence change creates a premature translational stop signal (p.Asp269Alafs*12) in the MEN1 gene. It is expected to result in an absent or disrupted protein product. Loss-of-function variants in MEN1 are known to be pathogenic (PMID: 12112656, 17853334). This variant is not present in population databases (gnomAD no frequency). This variant has not been reported in the literature in individuals affected with MEN1-related conditions. For these reasons, this variant has been classified as Pathogenic.

Literature cited by the submitters: PubMed 12112656; PubMed 17853334.

NM_001370259.2(MEN1):c.806del (p.Asp269fs)

Gene: MEN1 (menin 1; minus strand). Cytogenetic location: 11q13.1.
Variant type: Deletion.
Coding change: c.806del on transcript NM_001370259.2 (MANE Select); coding-DNA position 806, one base deleted (A; older notation c.806delA).
Protein change: p.Asp269fs; shifts the reading frame from aspartic acid 269.
Molecular consequence: frameshift variant. On other transcripts: non-coding transcript variant (4).
Genome position (GRCh38, 1-based): chr11:64,807,197, T deleted on the plus strand (A on the coding strand, the reverse complement: MEN1 is on the minus strand). VCF-style (leftmost placement, unchanged base first): chr11-64807196-GT-G. GRCh37 (hg19) VCF-style: chr11-64574668-GT-G.
Other names: c.701del, p.Asp234fs (NM_001407148.1, NM_001407149.1, NM_001407151.1 and 2 more transcripts); c.821del, p.Asp274fs (NM_001407150.1, NM_130800.3, NM_130801.3 and 5 more transcripts); c.806del, p.Asp269fs (NM_001407152.1, NM_130799.3, NM_001370251.2 and 7 more transcripts); short protein forms D274fs, D269fs, D234fs.
Identifiers: ClinVar variation 4727557 (VCV004727557.1).